The following is an entry in ClinVar:

ClinVar aggregate classification (germline): Uncertain significance (1 of 4 stars; one submission).

Conditions:
Hyperekplexia 3 (HKPX3). Also called: HYPEREKPLEXIA 3, AUTOSOMAL RECESSIVE; HYPEREKPLEXIA 3, AUTOSOMAL DOMINANT. Identifiers: Orphanet 3197, MedGen C3553288, MONDO:0013827, OMIM 614618.

Allele frequency attached by ClinVar (database versions not stated): gnomAD exomes 0.00001; TOPMed 0.00001; ExAC 0.00002; gnomAD 0.00003.
gnomAD v4.1: 15 of 1,614,004 alleles (0.00093%); highest among the groups gnomAD compares: African/African-American, 0.0013%; no homozygotes.

Submission:

Labcorp Genetics (formerly Invitae), Labcorp
Classification: Uncertain significance for Hyperekplexia 3. Last evaluated: 2022-02-02. Review status: criteria provided, single submitter. Criteria: Invitae Variant Classification Sherloc (09022015). Collection method: clinical testing. Allele origin: germline.
Comment: In summary, the available evidence is currently insufficient to determine the role of this variant in disease. Therefore, it has been classified as a Variant of Uncertain Significance. Advanced modeling of protein sequence and biophysical properties (such as structural, functional, and spatial information, amino acid conservation, physicochemical variation, residue mobility, and thermodynamic stability) performed at Invitae indicates that this missense variant is not expected to disrupt SLC6A5 protein function. This variant has not been reported in the literature in individuals affected with SLC6A5-related conditions. This variant is present in population databases (rs774770948, gnomAD 0.003%). This sequence change replaces asparagine, which is neutral and polar, with lysine, which is basic and polar, at codon 133 of the SLC6A5 protein (p.Asn133Lys).

NM_004211.5(SLC6A5):c.399C>A (p.Asn133Lys)

Gene: SLC6A5 (solute carrier family 6 member 5; plus strand). Cytogenetic location: 11p15.1.
Variant type: single nucleotide variant.
Coding change: c.399C>A on transcript NM_004211.5 (MANE Select); coding-DNA position 399, C replaced by A.
Protein change: p.Asn133Lys; replaces asparagine 133 with lysine.
Molecular consequence: missense variant. On other transcripts: 5 prime UTR variant (1).
Genome position (GRCh38, 1-based): chr11:20,601,524, C>A. VCF-style: chr11-20601524-C-A. GRCh37 (hg19) VCF-style: chr11-20623070-C-A.
Other names: c.-165C>A (NM_001318369.2); short protein forms N133K.
Identifiers: ClinVar variation 1370475 (VCV001370475.8), dbSNP rs774770948, ClinGen allele CA5921073.